The following is an entry in ClinVar:

ClinVar aggregate classification (germline): Uncertain significance (1 of 4 stars; one submission).

Submission:

Labcorp Genetics (formerly Invitae), Labcorp
Classification: Uncertain significance. Last evaluated: 2020-02-22. Review status: criteria provided, single submitter. Criteria: Invitae Variant Classification Sherloc (09022015). Collection method: clinical testing. Allele origin: germline.
Comment: In summary, the available evidence is currently insufficient to determine the role of this variant in disease. Therefore, it has been classified as a Variant of Uncertain Significance. Algorithms developed to predict the effect of missense changes on protein structure and function are either unavailable or do not agree on the potential impact of this missense change (SIFT: "Deleterious"; PolyPhen-2: "Benign"; Align-GVGD: "Class C0"). This variant has not been reported in the literature in individuals with CLCN5-related conditions. This variant is not present in population databases (ExAC no frequency). This sequence change replaces leucine with valine at codon 125 of the CLCN5 protein (p.Leu125Val). The leucine residue is moderately conserved and there is a small physicochemical difference between leucine and valine.

NM_001127898.4(CLCN5):c.583C>G (p.Leu195Val)

Gene: CLCN5 (chloride voltage-gated channel 5; plus strand). Cytogenetic location: Xp11.23.
Variant type: single nucleotide variant.
Coding change: c.583C>G on transcript NM_001127898.4 (MANE Select); coding-DNA position 583, C replaced by G.
Protein change: p.Leu195Val; replaces leucine 195 with valine.
Molecular consequence: missense variant.
Genome position (GRCh38, 1-based): chrX:50,075,962, C>G. VCF-style: chrX-50075962-C-G. GRCh37 (hg19) VCF-style: chrX-49840617-C-G.
Other names: c.373C>G, p.Leu125Val (NM_000084.5); c.583C>G, p.Leu195Val (NM_001127899.4); c.433C>G, p.Leu145Val (NM_001282163.2); short protein forms L125V, L145V, L195V.
Identifiers: ClinVar variation 1052258 (VCV001052258.9), dbSNP rs2147559348, ClinGen allele CA413182854.
Genomic context (GRCh38, chrX:50,075,962, plus strand): 5'-TCTGAGCATGTCACCTTTGAAGAGAGAGACAAATGTCCAGAGTGGAATAGTTGGTCCCAG[C>G]TTATCATCAGCACAGATGAGGTAACATGTAGTGATGTTTTATGAGCCATTGACTTTTCTT-3'
Protein context (NP_001121370.1, residues 185-205): KCPEWNSWSQ[Leu195Val]IISTDEGAFA